The following is an entry in ClinVar:

NM_004211.5(SLC6A5):c.1893del (p.Val632fs)

Gene: SLC6A5 (solute carrier family 6 member 5; plus strand). Cytogenetic location: 11p15.1.
Variant type: Deletion.
Coding change: c.1893del on transcript NM_004211.5 (MANE Select); coding-DNA position 1893, one base deleted (T; older notation c.1893delT).
Protein change: p.Val632fs; shifts the reading frame from valine 632.
Molecular consequence: frameshift variant.
Genome position (GRCh38, 1-based): chr11:20,638,482, T deleted; the last of 2 consecutive T bases (chr11:20,638,481-20,638,482); deleting either gives the same sequence. VCF-style (leftmost placement, unchanged base first): chr11-20638480-CT-C. GRCh37 (hg19) VCF-style: chr11-20660026-CT-C.
Other names: c.1191del, p.Val398fs (NM_001318369.2); short protein forms V632fs, V398fs.
Identifiers: ClinVar variation 3664122 (VCV003664122.2).

ClinVar aggregate classification (germline): Pathogenic (1 of 4 stars; one submission).

Conditions:
Hyperekplexia 3 (HKPX3). Also called: HYPEREKPLEXIA 3, AUTOSOMAL RECESSIVE; HYPEREKPLEXIA 3, AUTOSOMAL DOMINANT. Identifiers: Orphanet 3197, MedGen C3553288, MONDO:0013827, OMIM 614618.

Submission:

Labcorp Genetics (formerly Invitae), Labcorp
Classification: Pathogenic for Hyperekplexia 3. Last evaluated: 2024-09-01. Review status: criteria provided, single submitter. Criteria: Invitae Variant Classification Sherloc (09022015). Collection method: clinical testing. Allele origin: germline.
Comment: This sequence change creates a premature translational stop signal (p.Val632Trpfs*34) in the SLC6A5 gene. It is expected to result in an absent or disrupted protein product. Loss-of-function variants in SLC6A5 are known to be pathogenic (PMID: 14622583, 16751771, 22700964). This variant is not present in population databases (gnomAD no frequency). This variant has not been reported in the literature in individuals affected with SLC6A5-related conditions. For these reasons, this variant has been classified as Pathogenic.

Literature cited by the submitters: PubMed 14622583; PubMed 16751771; PubMed 22700964.